The following is an entry in ClinVar:

ClinVar aggregate classification (germline): Uncertain significance (1 of 4 stars; one submission).

Conditions:
CHARGE syndrome (CHARGE). Also called: Hittner Hirsch Kreh syndrome; CHARGE ASSOCIATION--COLOBOMA, HEART ANOMALY, CHOANAL ATRESIA, RETARDATION, GENITAL AND EAR ANOMALIES; Coloboma, heart anomaly, choanal atresia, retardation, genital and ear anomalies; CHARGE association; Hall-Hittner syndrome. Identifiers: Orphanet 138, MedGen C0265354, MONDO:0008965.

Submission:

Labcorp Genetics (formerly Invitae), Labcorp
Classification: Uncertain significance for CHARGE syndrome. Last evaluated: 2025-07-31. Review status: criteria provided, single submitter. Criteria: Invitae Variant Classification Sherloc (09022015). Collection method: clinical testing. Allele origin: germline.
Comment: This sequence change replaces glutamic acid, which is acidic and polar, with lysine, which is basic and polar, at codon 2835 of the CHD7 protein (p.Glu2835Lys). This variant is not present in population databases (gnomAD no frequency). This variant has not been reported in the literature in individuals affected with CHD7-related conditions. Invitae Evidence Modeling of protein sequence and biophysical properties (such as structural, functional, and spatial information, amino acid conservation, physicochemical variation, residue mobility, and thermodynamic stability) indicates that this missense variant is not expected to disrupt CHD7 protein function with a negative predictive value of 95%. In summary, the available evidence is currently insufficient to determine the role of this variant in disease. Therefore, it has been classified as a Variant of Uncertain Significance.

NM_017780.4(CHD7):c.8503G>A (p.Glu2835Lys)

Gene: CHD7 (chromodomain helicase DNA binding protein 7; plus strand). Cytogenetic location: 8q12.2.
Variant type: single nucleotide variant.
Coding change: c.8503G>A on transcript NM_017780.4 (MANE Select); coding-DNA position 8503, G replaced by A.
Protein change: p.Glu2835Lys; replaces glutamic acid 2835 with lysine.
Molecular consequence: missense variant.
Genome position (GRCh38, 1-based): chr8:60,865,442, G>A. VCF-style: chr8-60865442-G-A. GRCh37 (hg19) VCF-style: chr8-61778001-G-A.
Other names: c.2356G>A, p.Glu786Lys (NM_001316690.1); short protein forms E786K, E2835K.
Identifiers: ClinVar variation 4760628 (VCV004760628.1).
Genomic context (GRCh38, chr8:60,865,442, plus strand): 5'-CTGTTGAATAACCCTCTGTCAGCTGCTACTGGAAACACCACTACTGCTTCTAGTCAAGGA[G>A]AACCGGAAGACAGCACTTCAAAAGGAGAGGAGAAAGGAAATGAGAATGAAGACGAGAACA-3'
Protein context (NP_060250.2, residues 2825-2845): GNTTTASSQG[Glu2835Lys]PEDSTSKGEE